The following is an entry in ClinVar:

NM_000193.4(SHH):c.419_423dup (p.Glu142fs)

Gene: SHH (sonic hedgehog signaling molecule; minus strand). Cytogenetic location: 7q36.3.
Variant type: Duplication.
Coding change: c.419_423dup on transcript NM_000193.4 (MANE Select); coding-DNA positions 419 to 423, 5 bases duplicated (ACTAC; older notation c.419_423dupACTAC).
Protein change: p.Glu142fs; shifts the reading frame from glutamic acid 142.
Molecular consequence: frameshift variant. On other transcripts: non-coding transcript variant (2).
Genome position (GRCh38, 1-based): chr7:155,806,435-155,806,439, GTAGT duplicated on the plus strand (ACTAC on the coding strand, the reverse complement: SHH is on the minus strand); duplicating any 5 consecutive bases within chr7:155,806,435-155,806,440 gives the same sequence; the c. name uses the placement nearest the transcript's 3' end. VCF-style (leftmost placement, unchanged base first): chr7-155806434-C-CGTAGT. GRCh37 (hg19) VCF-style: chr7-155599128-C-CGTAGT.
Other names: c.158_162dup, p.Glu55fs (NM_001310462.2); short protein forms E142fs, E55fs.
Identifiers: ClinVar variation 646865 (VCV000646865.1), dbSNP rs1584800601, ClinGen allele CA915945596.

ClinVar aggregate classification (germline): Pathogenic (1 of 4 stars; one submission).

Conditions:
Holoprosencephaly 3 (HPE3). Identifiers: Orphanet 2162, MedGen C1840529, MONDO:0007733, OMIM 142945.

Submission:

Labcorp Genetics (formerly Invitae), Labcorp
Classification: Pathogenic for Holoprosencephaly 3. Last evaluated: 2018-07-13. Review status: criteria provided, single submitter. Criteria: Invitae Variant Classification Sherloc (09022015). Collection method: clinical testing. Allele origin: germline.
Comment: This sequence change results in a premature translational stop signal in the SHH gene (p.Glu142Thrfs*46). While this is not anticipated to result in nonsense mediated decay, it is expected to disrupt the last 321 amino acids of the SHH protein. This variant is not present in population databases (ExAC no frequency). This variant has not been reported in the literature in individuals with SHH-related disease. A different truncation (p.Glu284Glyfs*31) that lies downstream of this variant has been determined to be pathogenic (Invitae).Â¬â€ In addition, clinical and experimental evidence strongly suggest that the C-terminus of the SHH protein is critical for functional activity (PMID:Â¬â€ 9335337, 15292211,Â¬â€ 15942944,Â¬â€ 22791840,Â¬â€ 19603532, 25569381). For these reasons, this variant has been classified as Pathogenic.